The following is an entry in ClinVar:

ClinVar aggregate classification (germline): Benign/Likely benign. Review status: criteria provided, multiple submitters, no conflicts (2 of 4 stars). 5 submissions from 5 submitters: Benign (1); Likely benign (4). Last evaluated 2026-07-13.

Conditions:
SMARCA4-related disorder. Also called: SMARCA4-related condition.
Intellectual disability, autosomal dominant 16 (CSS4). Also called: COFFIN-SIRIS SYNDROME 4. Identifiers: Orphanet 1465, MedGen C3553249, MONDO:0013821, OMIM 614609.
Hereditary cancer-predisposing syndrome. Also called: Hereditary Cancer Syndrome; Hereditary neoplastic syndrome; Neoplastic Syndromes, Hereditary; Tumor predisposition. Identifiers: Orphanet 140162, MedGen C0027672, MeSH D009386, MONDO:0015356.
Rhabdoid tumor predisposition syndrome 2 (RTPS2). Identifiers: Orphanet 231108, Orphanet 69077, MedGen C2750074, MONDO:0013224, OMIM 613325.

Allele frequency attached by ClinVar (database versions not stated): gnomAD 0.00001; gnomAD exomes 0.00001 and below 0.00001; ExAC 0.00001.
gnomAD v4.1: 12 of 1,614,010 alleles (0.00074%); highest among the groups gnomAD compares: Non-Finnish European, 0.001%; no homozygotes.

Submissions (5):

Myriad Genetics, Inc.
Classification: Benign for Rhabdoid tumor predisposition syndrome 2. Last evaluated: 2026-07-13. Review status: criteria provided, single submitter. Criteria: Myriad Autosomal Dominant, Autosomal Recessive and X-Linked Classification Criteria (2023). Collection method: clinical testing. Allele origin: unknown.
Comment: This variant is considered benign. This variant is a silent/synonymous amino acid change and it is not expected to impact splicing.

Labcorp Genetics (formerly Invitae), Labcorp
Classification: Likely benign for Rhabdoid tumor predisposition syndrome 2. Last evaluated: 2026-01-19. Review status: criteria provided, single submitter. Criteria: Invitae Variant Classification Sherloc (09022015). Collection method: clinical testing. Allele origin: germline.

PreventionGenetics, part of Exact Sciences
Classification: Likely benign for SMARCA4-related condition. Last evaluated: 2025-05-09. Review status: criteria provided, single submitter. Criteria: ACMG Guidelines, 2015. Collection method: clinical testing. Allele origin: germline.
Comment: This variant is classified as likely benign based on ACMG/AMP sequence variant interpretation guidelines (Richards et al. 2015 PMID: 25741868, with internal and published modifications).

Genome-Nilou Lab
Classification: Likely benign for Intellectual disability, autosomal dominant 16. Last evaluated: 2021-07-15. Review status: criteria provided, single submitter. Criteria: ACMG Guidelines, 2015. Collection method: clinical testing. Allele origin: germline. Affected: no.

Ambry Genetics
Classification: Likely benign for Hereditary cancer-predisposing syndrome. Last evaluated: 2019-05-04. Review status: criteria provided, single submitter. Criteria: Ambry Variant Classification Scheme 2023. Collection method: clinical testing. Allele origin: germline.

NM_003072.5(SMARCA4):c.2157C>T (p.Gly719=)

Gene: SMARCA4 (SWI/SNF related BAF chromatin remodeling complex subunit ATPase 4; plus strand). Cytogenetic location: 19p13.2.
Variant type: single nucleotide variant.
Coding change: c.2157C>T on transcript NM_003072.5 (MANE Select); coding-DNA position 2157, C replaced by T.
Protein change: p.Gly719=; no amino-acid change (glycine 719 retained).
Molecular consequence: synonymous variant. On other transcripts: non-coding transcript variant (1).
Genome position (GRCh38, 1-based): chr19:11,010,414, C>T. VCF-style: chr19-11010414-C-T. GRCh37 (hg19) VCF-style: chr19-11121090-C-T.
Other names: c.2157C>T, p.Gly719= (NM_001128844.3, NM_001128845.2, NM_001128846.2 and 5 more transcripts).
Identifiers: ClinVar variation 408684 (VCV000408684.19), dbSNP rs756240718, ClinGen allele CA9204030.